The following is an entry in ClinVar:

ClinVar aggregate classification (germline): Uncertain significance (1 of 4 stars; one submission).

Conditions:
46,XY sex reversal 9 (SRXY9). Also called: 46,XY SEX REVERSAL, ZFPM2-RELATED. Identifiers: Orphanet 251510, MedGen C4015129, MONDO:0014480, OMIM 616067.

Allele frequency attached by ClinVar (database versions not stated): gnomAD exomes 0.00001 and 0.00002; TOPMed 0.00002; gnomAD 0.00003 and 0.00004.
gnomAD v4.1: 29 of 1,612,554 alleles (0.0018%); highest among the groups gnomAD compares: East Asian, 0.0089%; no homozygotes.

Submission:

Labcorp Genetics (formerly Invitae), Labcorp
Classification: Uncertain significance for 46,XY sex reversal 9. Last evaluated: 2020-10-07. Review status: criteria provided, single submitter. Criteria: Invitae Variant Classification Sherloc (09022015). Collection method: clinical testing. Allele origin: germline.
Comment: In summary, the available evidence is currently insufficient to determine the role of this variant in disease. Therefore, it has been classified as a Variant of Uncertain Significance. Algorithms developed to predict the effect of missense changes on protein structure and function are either unavailable or do not agree on the potential impact of this missense change (SIFT: "Deleterious"; PolyPhen-2: "Probably Damaging"; Align-GVGD: "Class C15"). This variant has not been reported in the literature in individuals with ZFPM2-related conditions. This variant is present in population databases (rs753602172, ExAC 0.01%). This sequence change replaces proline with leucine at codon 878 of the ZFPM2 protein (p.Pro878Leu). The proline residue is highly conserved and there is a moderate physicochemical difference between proline and leucine.

NM_012082.4(ZFPM2):c.2633C>T (p.Pro878Leu)

Genes: ZFPM2 (zinc finger protein, FOG family member 2; plus strand), ZFPM2-AS1 (ZFPM2 antisense RNA 1; minus strand), LOC126860469 (BRD4-independent group 4 enhancer GRCh37_chr8:106814445-106815644; plus strand). Cytogenetic location: 8q23.1.
Variant type: single nucleotide variant.
Coding change: c.2633C>T on transcript NM_012082.4 (MANE Select); coding-DNA position 2633, C replaced by T.
Protein change: p.Pro878Leu; replaces proline 878 with leucine.
Molecular consequence: missense variant.
Genome position (GRCh38, 1-based): chr8:105,802,715, C>T. VCF-style: chr8-105802715-C-T. GRCh37 (hg19) VCF-style: chr8-106814943-C-T.
Other names: c.2474C>T, p.Pro825Leu (NM_001362836.2); c.2237C>T, p.Pro746Leu (NM_001362837.2); short protein forms P746L, P825L, P878L.
Identifiers: ClinVar variation 1025608 (VCV001025608.9), dbSNP rs753602172, ClinGen allele CA4839937.